The following is an entry in ClinVar:

ClinVar aggregate classification (germline): Likely pathogenic, low penetrance (1 of 4 stars; one submission).

Conditions:
CFI-related disorder. Also called: CFI-related condition; CFI-related disorders. Identifiers: MedGen CN239325.

gnomAD v4.1: 7 of 1,614,118 alleles (0.00043%); highest among the groups gnomAD compares: Non-Finnish European, 0.00059%; no homozygotes.

Submission:

Genomenon, Inc
Classification: Likely pathogenic, low penetrance for CFI-related disorder. Last evaluated: 2025-09-26. Review status: criteria provided, single submitter. Criteria: Genomenon Sequence Variant Interpretation Standards - Updated. Collection method: curation. Allele origin: germline. Affected: no.
Comment: CFI p.Ala356Pro (c.1066G>C) is a missense variant that changes the amino acid at residue 356 from Alanine to Proline. To our knowledge, this variant has not been reported in patients affected with CFI-related disorders in the published literature. At least one functional study has demonstrated a substantial alteration in protein function relative to the wild-type (PMID:32510551). It is absent or not present at a significant frequency in gnomAD. In silico models agree that this variant is possibly or probably damaging. In conclusion, we classify CFI p.Ala356Pro (c.1066G>C) as a likely pathogenic, low penetrance variant.

Literature cited by the submitters: PubMed 32510551.

NM_000204.5(CFI):c.1066G>C (p.Ala356Pro)

Gene: CFI (complement factor I; minus strand). Cytogenetic location: 4q25.
Variant type: single nucleotide variant.
Coding change: c.1066G>C on transcript NM_000204.5 (MANE Select); coding-DNA position 1066, G replaced by C.
Protein change: p.Ala356Pro; replaces alanine 356 with proline.
Molecular consequence: missense variant. On other transcripts: non-coding transcript variant (3).
Genome position (GRCh38, 1-based): chr4:109,749,300, C>G on the plus strand (G>C on the coding strand, the complement: CFI is on the minus strand). VCF-style: chr4-109749300-C-G. GRCh37 (hg19) VCF-style: chr4-110670456-C-G.
Other names: c.1090G>C, p.Ala364Pro (NM_001318057.2, NM_001375278.1, NM_001440988.1); c.1045G>C, p.Ala349Pro (NM_001331035.2, NM_001375280.1, NM_001375282.1 and 1 more transcripts); c.1066G>C, p.Ala356Pro (NM_001375279.1, NM_001375281.1, NM_001440989.1); c.1009G>C, p.Ala337Pro (NM_001375283.1); c.457G>C, p.Ala153Pro (NM_001375284.1); c.1087G>C, p.Ala363Pro (NM_001440985.1, NM_001440986.1); short protein forms A153P, A337P, A349P, A356P, A363P, A364P.
Identifiers: ClinVar variation 4280429 (VCV004280429.1).